The following is an entry in ClinVar:

NM_144701.3(IL23R):c.83T>C (p.Ile28Thr)

Gene: IL23R (interleukin 23 receptor; plus strand). Cytogenetic location: 1p31.3.
Variant type: single nucleotide variant.
Coding change: c.83T>C on transcript NM_144701.3 (MANE Select); coding-DNA position 83, T replaced by C.
Protein change: p.Ile28Thr; replaces isoleucine 28 with threonine.
Molecular consequence: missense variant.
Genome position (GRCh38, 1-based): chr1:67,169,354, T>C. VCF-style: chr1-67169354-T-C. GRCh37 (hg19) VCF-style: chr1-67635037-T-C.
Other names: short protein forms I28T.
Identifiers: ClinVar variation 3631665 (VCV003631665.2).

ClinVar aggregate classification (germline): Uncertain significance (1 of 4 stars; one submission).

Submission:

Labcorp Genetics (formerly Invitae), Labcorp
Classification: Uncertain significance. Last evaluated: 2025-01-18. Review status: criteria provided, single submitter. Criteria: Invitae Variant Classification Sherloc (09022015). Collection method: clinical testing. Allele origin: germline.
Comment: This sequence change replaces isoleucine, which is neutral and non-polar, with threonine, which is neutral and polar, at codon 28 of the IL23R protein (p.Ile28Thr). This variant is not present in population databases (gnomAD no frequency). This variant has not been reported in the literature in individuals affected with IL23R-related conditions. An algorithm developed to predict the effect of missense changes on protein structure and function (PolyPhen-2) suggests that this variant is likely to be disruptive. In summary, the available evidence is currently insufficient to determine the role of this variant in disease. Therefore, it has been classified as a Variant of Uncertain Significance.